The following is an entry in ClinVar:

ClinVar aggregate classification (germline): Conflicting classifications of pathogenicity. Review status: criteria provided, conflicting classifications (1 of 4 stars). 2 submissions from 2 submitters: Uncertain significance (1); Likely benign (1). Last evaluated 2025-05-30.

Allele frequency attached by ClinVar (database versions not stated): gnomAD 0.00002; gnomAD exomes 0.00001; TOPMed 0.00001.
gnomAD v4.1: 17 of 1,613,806 alleles (0.0011%); highest among the groups gnomAD compares: East Asian, 0.0045%; no homozygotes.

Submissions (2):

Ambry Genetics
Classification: Likely benign. Last evaluated: 2025-05-30. Review status: criteria provided, single submitter. Criteria: Ambry Variant Classification Scheme 2023. Collection method: clinical testing. Allele origin: germline.

Labcorp Genetics (formerly Invitae), Labcorp
Classification: Uncertain significance. Last evaluated: 2025-04-02. Review status: criteria provided, single submitter. Criteria: Invitae Variant Classification Sherloc (09022015). Collection method: clinical testing. Allele origin: germline.
Comment: This sequence change replaces arginine, which is basic and polar, with tryptophan, which is neutral and slightly polar, at codon 437 of the RNF43 protein (p.Arg437Trp). This variant is present in population databases (no rsID available, gnomAD 0.003%). This variant has not been reported in the literature in individuals affected with RNF43-related conditions. ClinVar contains an entry for this variant (Variation ID: 2891195). An algorithm developed to predict the effect of missense changes on protein structure and function outputs the following: PolyPhen-2: "Benign". The tryptophan amino acid residue is found in multiple mammalian species, which suggests that this missense change does not adversely affect protein function. In summary, the available evidence is currently insufficient to determine the role of this variant in disease. Therefore, it has been classified as a Variant of Uncertain Significance.

NM_017763.6(RNF43):c.1309C>T (p.Arg437Trp)

Gene: RNF43 (ring finger protein 43; minus strand). Cytogenetic location: 17q22.
Variant type: single nucleotide variant.
Coding change: c.1309C>T on transcript NM_017763.6 (MANE Select); coding-DNA position 1309, C replaced by T.
Protein change: p.Arg437Trp; replaces arginine 437 with tryptophan.
Molecular consequence: missense variant.
Genome position (GRCh38, 1-based): chr17:58,358,467, G>A on the plus strand (C>T on the coding strand, the complement: RNF43 is on the minus strand). VCF-style: chr17-58358467-G-A. GRCh37 (hg19) VCF-style: chr17-56435828-G-A.
Other names: c.1309C>T, p.Arg437Trp (NM_001305544.3); c.928C>T, p.Arg310Trp (NM_001305545.2); short protein forms R310W, R437W.
Identifiers: ClinVar variation 2891195 (VCV002891195.4), dbSNP rs995358248, ClinGen allele CA400330316.
Genomic context (GRCh38, chr17:58,358,467, plus strand): 5'-ACCCACTGCGTTCTGTGCAATAGCTTTCTCCAGATCCACTGCTGTCAGGGGGCCTGGCCC[G>A]GCGTAGGGGCACTGGGCAAGCAGCAGGGTGCTGTGAGGTGGATTGGAGGTGGCTCAGTCC-3'
Protein context (NP_060233.3, residues 427-447): HPAACPVPLR[Arg437Trp]ARPPDSSGSG